The following is an entry in ClinVar:

ClinVar aggregate classification (germline): Uncertain significance. Review status: criteria provided, multiple submitters, no conflicts (2 of 4 stars). 4 submissions from 4 submitters: Uncertain significance (4). Last evaluated 2025-10-21.

Conditions:
Marfan syndrome (MFS). Also called: Marfan syndrome type 1; Marfan's syndrome; FBN1-Related Marfan Syndrome; MARFAN SYNDROME, TYPE I; Marfan syndrome, classic. Identifiers: Orphanet 284963, Orphanet 558, MedGen C0024796, MONDO:0007947, OMIM 154700.
Geleophysic dysplasia 2 (GPHYSD2). Identifiers: Orphanet 2623, MedGen C3280054, MONDO:0013612, OMIM 614185.
Acromicric dysplasia (ACMICD). Also called: Acromicric skeletal dysplasia. Identifiers: Orphanet 969, MedGen C0265287, MONDO:0007055, OMIM 102370.
Weill-Marchesani syndrome 2, dominant. Also called: FBN1-Related Weill-Marchesani Syndrome; Weill-Marchesani Syndrome, Autosomal Dominant. Identifiers: Orphanet 2084, MedGen C1869115, MONDO:0012013, OMIM 608328.
Ectopia lentis 1, isolated, autosomal dominant (ECTOL1). Identifiers: Orphanet 1885, MedGen C3541518, MONDO:0007514, OMIM 129600.
Progeroid and marfanoid aspect-lipodystrophy syndrome. Also called: MARFANOID-PROGEROID-LIPODYSTROPHY SYNDROME; MARFANOID-PROGEROID SYNDROME; MARFAN-PROGEROID-LIPODYSTROPHY SYNDROME; Marfan lipodystrophy syndrome. Identifiers: Orphanet 300382, MedGen C4310796, MONDO:0014831, OMIM 616914.
Stiff skin syndrome (SSKS). Identifiers: Orphanet 2833, MedGen C1861456, MONDO:0008492, OMIM 184900.
MASS syndrome (OCTD). Also called: MASS PHENOTYPE; OVERLAP CONNECTIVE TISSUE DISEASE. Identifiers: MedGen C1858556, MONDO:0011431, OMIM 604308.
Familial thoracic aortic aneurysm and aortic dissection (TAAD). Also called: Thoracic aortic aneurysms and dissections. Identifiers: Orphanet 91387, MedGen C4707243, MONDO:0019625.

Allele frequency attached by ClinVar (database versions not stated): gnomAD exomes below 0.00001; ExAC 0.00001.
gnomAD v4.1: 4 of 1,614,024 alleles (0.00025%); highest among the groups gnomAD compares: Admixed American, 0.0033%; no homozygotes.

Submissions (4):

Color Diagnostics, LLC DBA Color Health
Classification: Uncertain significance for Familial thoracic aortic aneurysm and aortic dissection. Last evaluated: 2025-10-21. Review status: criteria provided, single submitter. Criteria: ACMG Guidelines, 2015. Collection method: clinical testing. Allele origin: germline.
Comment: This missense variant replaces phenylalanine with leucine at codon 1468 of the FBN1 protein. Computational prediction suggests that this variant may have deleterious impact on protein structure and function. To our knowledge, functional studies have not been reported for this variant. This variant has not been reported in individuals affected with FBN1-related disorders in the literature. This variant has been identified in 4/1614024 chromosomes in the general population by the Genome Aggregation Database (gnomAD). The available evidence is insufficient to determine the role of this variant in disease conclusively. Therefore, this variant is classified as a Variant of Uncertain Significance.

Labcorp Genetics (formerly Invitae), Labcorp
Classification: Uncertain significance for Marfan syndrome; Familial thoracic aortic aneurysm and aortic dissection. Last evaluated: 2024-04-11. Review status: criteria provided, single submitter. Criteria: Invitae Variant Classification Sherloc (09022015). Collection method: clinical testing. Allele origin: germline.
Comment: This sequence change replaces phenylalanine, which is neutral and non-polar, with leucine, which is neutral and non-polar, at codon 1468 of the FBN1 protein (p.Phe1468Leu). This variant is present in population databases (rs780479561, gnomAD 0.0009%). This variant has not been reported in the literature in individuals affected with FBN1-related conditions. ClinVar contains an entry for this variant (Variation ID: 1372322). Advanced modeling of protein sequence and biophysical properties (such as structural, functional, and spatial information, amino acid conservation, physicochemical variation, residue mobility, and thermodynamic stability) performed at Invitae indicates that this missense variant is expected to disrupt FBN1 protein function with a positive predictive value of 95%. In summary, the available evidence is currently insufficient to determine the role of this variant in disease. Therefore, it has been classified as a Variant of Uncertain Significance.

All of Us Research Program, National Institutes of Health
Classification: Uncertain significance for Marfan syndrome. Last evaluated: 2023-09-09. Review status: criteria provided, single submitter. Criteria: ACMG Guidelines, 2015. Collection method: clinical testing. Allele origin: germline. Inheritance: Autosomal dominant inheritance. Observed: 2 variant alleles, 2 heterozygotes.
Comment: This missense variant replaces phenylalanine with leucine at codon 1468 of the FBN1 protein. Computational prediction suggests that this variant may have deleterious impact on protein structure and function (internally defined REVEL score threshold >= 0.7, PMID: 27666373). To our knowledge, functional studies have not been reported for this variant. This variant has not been reported in individuals affected with FBN1-related disorders in the literature. This variant has been identified in 1/251314 chromosomes in the general population by the Genome Aggregation Database (gnomAD). The available evidence is insufficient to determine the role of this variant in disease conclusively. Therefore, this variant is classified as a Variant of Uncertain Significance.

This study involves interpretation of variants in research participants for the purpose of population health screening. Participant phenotype was not available at the time of variant classification. Additional details can be found in publication PMID: 35346344, PMCID: PMC8962531

Fulgent Genetics
Classification: Uncertain significance for Acromicric dysplasia; Ectopia lentis 1, isolated, autosomal dominant; Marfan syndrome; Stiff skin syndrome; MASS syndrome; Weill-Marchesani syndrome 2, dominant; Geleophysic dysplasia 2; Progeroid and marfanoid aspect-lipodystrophy syndrome. Last evaluated: 2021-09-29. Review status: criteria provided, single submitter. Criteria: ACMG Guidelines, 2015. Collection method: clinical testing. Allele origin: unknown.

NM_000138.5(FBN1):c.4404C>G (p.Phe1468Leu)

Gene: FBN1 (fibrillin 1; minus strand). Cytogenetic location: 15q21.1.
Variant type: single nucleotide variant.
Coding change: c.4404C>G on transcript NM_000138.5 (MANE Select); coding-DNA position 4404, C replaced by G.
Protein change: p.Phe1468Leu; replaces phenylalanine 1468 with leucine.
Molecular consequence: missense variant.
Genome position (GRCh38, 1-based): chr15:48,470,689, G>C on the plus strand (C>G on the coding strand, the complement: FBN1 is on the minus strand). VCF-style: chr15-48470689-G-C. GRCh37 (hg19) VCF-style: chr15-48762886-G-C.
Other names: short protein forms F1468L.
Identifiers: ClinVar variation 1372322 (VCV001372322.9), dbSNP rs780479561, ClinGen allele CA052762.